The following is an entry in ClinVar:

NM_002335.4(LRP5):c.4616C>T (p.Pro1539Leu)

Gene: LRP5 (LDL receptor related protein 5; plus strand). Cytogenetic location: 11q13.2.
Variant type: single nucleotide variant.
Coding change: c.4616C>T on transcript NM_002335.4 (MANE Select); coding-DNA position 4616, C replaced by T.
Protein change: p.Pro1539Leu; replaces proline 1539 with leucine.
Molecular consequence: missense variant.
Genome position (GRCh38, 1-based): chr11:68,448,838, C>T. VCF-style: chr11-68448838-C-T. GRCh37 (hg19) VCF-style: chr11-68216306-C-T.
Other names: c.4616C>T (NM_002335.3, NM_002335.2); c.2873C>T, p.Pro958Leu (NM_001291902.2); short protein forms P1539L, P958L.
Identifiers: ClinVar variation 1403701 (VCV001403701.10), dbSNP rs148725079, ClinGen allele CA6150466.

ClinVar aggregate classification (germline): Uncertain significance. Review status: criteria provided, multiple submitters, no conflicts (2 of 4 stars). 4 submissions from 4 submitters: Uncertain significance (4). Last evaluated 2026-02-14.

Conditions:
Bone mineral density quantitative trait locus 1 (BMND1). Identifiers: MedGen C1866079, OMIM 601884.
Exudative vitreoretinopathy 4 (EVR4). Identifiers: Orphanet 891, MedGen C1866176, MONDO:0011151, OMIM 601813.
Worth disease. Also called: Autosomal dominant osteosclerosis, Worth type; ENDOSTEAL HYPEROSTOSIS, AUTOSOMAL DOMINANT; OSTEOSCLEROSIS, AUTOSOMAL DOMINANT. Identifiers: Orphanet 2790, MedGen C0432273, MONDO:0007764, OMIM 144750.
Autosomal dominant osteopetrosis 1 (OPTA1). Also called: OSTEOPETROSIS, AUTOSOMAL DOMINANT, TYPE I. Identifiers: Orphanet 2783, MedGen C1843330, MONDO:0011877, OMIM 607634.
Osteoporosis with pseudoglioma (OPPG). Also called: osteoporosis-pseudoglioma syndrome. Identifiers: Orphanet 2788, MedGen C0432252, MONDO:0009820, OMIM 259770.
Polycystic liver disease 4 with or without kidney cysts. Identifiers: MedGen C4693479, MONDO:0044327, OMIM 617875.
LRP5-related disorder. Also called: LRP5-related condition.

Allele frequency attached by ClinVar (database versions not stated): gnomAD 0.00005; gnomAD exomes 0.00006 and 0.00010; TOPMed 0.00006; ExAC 0.00008; ESP Exome Variant Server 0.00015.
gnomAD v4.1: 159 of 1,609,402 alleles (0.0099%); highest among the groups gnomAD compares: Non-Finnish European, 0.012%; 1 homozygote.

Submissions (4):

PreventionGenetics, part of Exact Sciences
Classification: Uncertain significance for LRP5-related condition. Last evaluated: 2026-02-14. Review status: criteria provided, single submitter. Criteria: ACMG Guidelines, 2015. Collection method: clinical testing. Allele origin: germline.
Comment: The LRP5 c.4616C>T variant is predicted to result in the amino acid substitution p.Pro1539Leu. This variant has been reported in the heterozygous state in an individual with osteoporosis who also had a variant in WNT3A; however, only the LRP5 variant segregated in the individual's mildly affected brother (Caetano da Silva et al. 2021. PubMed ID: 33939331). This variant is present in 0.012% of alleles in individuals of Latino descent in gnomAD. At this time, the clinical significance of this variant is uncertain due to the absence of conclusive functional and genetic evidence.

Labcorp Genetics (formerly Invitae), Labcorp
Classification: Uncertain significance. Last evaluated: 2025-10-17. Review status: criteria provided, single submitter. Criteria: Invitae Variant Classification Sherloc (09022015). Collection method: clinical testing. Allele origin: germline.
Comment: This sequence change replaces proline, which is neutral and non-polar, with leucine, which is neutral and non-polar, at codon 1539 of the LRP5 protein (p.Pro1539Leu). This variant is present in population databases (rs148725079, gnomAD 0.01%). This missense change has been observed in individual(s) with early‑onset osteoporosis (PMID: 33939331). ClinVar contains an entry for this variant (Variation ID: 1403701). Invitae Evidence Modeling of protein sequence and biophysical properties (such as structural, functional, and spatial information, amino acid conservation, physicochemical variation, residue mobility, and thermodynamic stability) indicates that this missense variant is not expected to disrupt LRP5 protein function with a negative predictive value of 95%. In summary, the available evidence is currently insufficient to determine the role of this variant in disease. Therefore, it has been classified as a Variant of Uncertain Significance.

GeneDx
Classification: Uncertain significance. Last evaluated: 2025-07-11. Review status: criteria provided, single submitter. Criteria: GeneDx Variant Classification Process June 2021. Collection method: clinical testing. Allele origin: germline. Affected: yes.
Comment: Identified in a patient with early-onset osteoporosis and a variant in an additional gene in published literature (PMID: 33939331); In silico analysis supports that this missense variant has a deleterious effect on protein structure/function; This variant is associated with the following publications: (PMID: 33939331)

Fulgent Genetics
Classification: Uncertain significance for Worth disease; Osteoporosis with pseudoglioma; Exudative vitreoretinopathy 4; Bone mineral density quantitative trait locus 1; Autosomal dominant osteopetrosis 1; Polycystic liver disease 4 with or without kidney cysts. Last evaluated: 2024-06-03. Review status: criteria provided, single submitter. Criteria: ACMG Guidelines, 2015. Collection method: clinical testing. Allele origin: germline.

Literature cited by the submitters: PubMed 33939331 (cited by Labcorp Genetics (formerly Invitae), Labcorp).